The following is an entry in ClinVar:

NM_002474.3(MYH11):c.5252A>T (p.Asn1751Ile)

Genes: NDE1 (nudE neurodevelopment protein 1; plus strand), MYH11 (myosin heavy chain 11; minus strand). Cytogenetic location: 16p13.11.
Variant type: single nucleotide variant.
Coding change: c.5252A>T on transcript NM_002474.3 (MANE Select); coding-DNA position 5252, A replaced by T.
Protein change: p.Asn1751Ile; replaces asparagine 1751 with isoleucine.
Molecular consequence: missense variant. On other transcripts: intron variant (2).
Genome position (GRCh38, 1-based): chr16:15,718,358, T>A on the plus strand (A>T on the coding strand, the complement: MYH11 is on the minus strand). VCF-style: chr16-15718358-T-A. GRCh37 (hg19) VCF-style: chr16-15812215-T-A.
Other names: c.5252A>T (NM_002474.2); c.5273A>T, p.Asn1758Ile (NM_001040113.2, NM_001040114.2); c.5252A>T, p.Asn1751Ile (NM_022844.3); c.948-5833T>A (NM_001143979.2, NM_017668.3); short protein forms N1751I, N1758I.
Identifiers: ClinVar variation 953484 (VCV000953484.6), dbSNP rs149245873, ClinGen allele CA278596078.

ClinVar aggregate classification (germline): Uncertain significance. Review status: criteria provided, multiple submitters, no conflicts (2 of 4 stars). 3 submissions from 3 submitters: Uncertain significance (3). Last evaluated 2025-10-14.

Conditions:
Familial thoracic aortic aneurysm and aortic dissection (TAAD). Also called: Thoracic aortic aneurysms and dissections. Identifiers: Orphanet 91387, MedGen C4707243, MONDO:0019625.
Aortic aneurysm, familial thoracic 4 (AAT4). Also called: AORTIC ANEURYSM/AORTIC DISSECTION AND PATENT DUCTUS ARTERIOSUS. Identifiers: MedGen C1851504, MONDO:0007568, OMIM 132900.

Allele frequency attached by ClinVar (database versions not stated): gnomAD exomes below 0.00001; TOPMed 0.00001; ESP Exome Variant Server 0.00008.
gnomAD v4.1: 1 of 1,608,666 alleles (0.000062%); highest among the groups gnomAD compares: Non-Finnish European, 0.000085%; no homozygotes.

Submissions (3):

Ambry Genetics
Classification: Uncertain significance for Familial thoracic aortic aneurysm and aortic dissection. Last evaluated: 2025-10-14. Review status: criteria provided, single submitter. Criteria: Ambry Variant Classification Scheme 2023. Collection method: clinical testing. Allele origin: germline.
Comment: The p.N1751I variant (also known as c.5252A>T), located in coding exon 36 of the MYH11 gene, results from an A to T substitution at nucleotide position 5252. The asparagine at codon 1751 is replaced by isoleucine, an amino acid with dissimilar properties. This amino acid position is conserved. In addition, the in silico prediction for this alteration is inconclusive. Based on the available evidence, the clinical significance of this variant remains unclear.

Color Diagnostics, LLC DBA Color Health
Classification: Uncertain significance for Familial thoracic aortic aneurysm and aortic dissection. Last evaluated: 2025-06-23. Review status: criteria provided, single submitter. Criteria: ACMG Guidelines, 2015. Collection method: clinical testing. Allele origin: germline.
Comment: This missense variant replaces asparagine with isoleucine at codon 1758 of the MYH11 protein. Computational prediction suggests that this variant may have deleterious impact on protein structure and function. To our knowledge, functional studies have not been reported for this variant. This variant has not been reported in individuals affected with MYH11-related disorders in the literature. This variant has not been identified in the general population by the Genome Aggregation Database (gnomAD). The available evidence is insufficient to determine the role of this variant in disease conclusively. Therefore, this variant is classified as a Variant of Uncertain Significance.

Labcorp Genetics (formerly Invitae), Labcorp
Classification: Uncertain significance for Aortic aneurysm, familial thoracic 4. Last evaluated: 2023-12-22. Review status: criteria provided, single submitter. Criteria: Invitae Variant Classification Sherloc (09022015). Collection method: clinical testing. Allele origin: germline.
Comment: This sequence change replaces asparagine, which is neutral and polar, with isoleucine, which is neutral and non-polar, at codon 1758 of the MYH11 protein (p.Asn1758Ile). This variant is not present in population databases (gnomAD no frequency). This variant has not been reported in the literature in individuals affected with MYH11-related conditions. ClinVar contains an entry for this variant (Variation ID: 953484). Advanced modeling of protein sequence and biophysical properties (such as structural, functional, and spatial information, amino acid conservation, physicochemical variation, residue mobility, and thermodynamic stability) performed at Invitae indicates that this missense variant is not expected to disrupt MYH11 protein function with a negative predictive value of 95%. In summary, the available evidence is currently insufficient to determine the role of this variant in disease. Therefore, it has been classified as a Variant of Uncertain Significance.